The following is an entry in ClinVar:

ClinVar aggregate classification (germline): Uncertain significance (1 of 4 stars; one submission).

Allele frequency attached by ClinVar (database versions not stated): gnomAD exomes 0.00001; TOPMed 0.00001; gnomAD 0.00002; ExAC 0.00005.
gnomAD v4.1: 18 of 1,551,252 alleles (0.0012%); highest among the groups gnomAD compares: Non-Finnish European, 0.001%; no homozygotes.

Submission:

Labcorp Genetics (formerly Invitae), Labcorp
Classification: Uncertain significance. Last evaluated: 2024-04-17. Review status: criteria provided, single submitter. Criteria: Invitae Variant Classification Sherloc (09022015). Collection method: clinical testing. Allele origin: germline.
Comment: This sequence change replaces arginine, which is basic and polar, with leucine, which is neutral and non-polar, at codon 727 of the MCM5 protein (p.Arg727Leu). The frequency data for this variant in the population databases is considered unreliable, as metrics indicate poor data quality at this position in the gnomAD database. This variant has not been reported in the literature in individuals affected with MCM5-related conditions. ClinVar contains an entry for this variant (Variation ID: 1491715). An algorithm developed to predict the effect of missense changes on protein structure and function (PolyPhen-2) suggests that this variant is likely to be disruptive. In summary, the available evidence is currently insufficient to determine the role of this variant in disease. Therefore, it has been classified as a Variant of Uncertain Significance.

NM_006739.4(MCM5):c.2180G>T (p.Arg727Leu)

Gene: MCM5 (minichromosome maintenance complex component 5; plus strand). Cytogenetic location: 22q12.3.
Variant type: single nucleotide variant.
Coding change: c.2180G>T on transcript NM_006739.4 (MANE Select); coding-DNA position 2180, G replaced by T.
Protein change: p.Arg727Leu; replaces arginine 727 with leucine.
Molecular consequence: missense variant.
Genome position (GRCh38, 1-based): chr22:35,424,230, G>T. VCF-style: chr22-35424230-G-T. GRCh37 (hg19) VCF-style: chr22-35820223-G-T.
Other names: short protein forms R727L.
Identifiers: ClinVar variation 1491715 (VCV001491715.6), dbSNP rs779731757, ClinGen allele CA10205684.